The following is an entry in ClinVar:

ClinVar aggregate classification (germline): Uncertain significance (1 of 4 stars; one submission).

Conditions:
Isovaleryl-CoA dehydrogenase deficiency (IVA). Also called: Isovaleric acidemia; Classic Isovaleric Acidemia; ISOVALERIC ACID CoA DEHYDROGENASE DEFICIENCY; IVD DEFICIENCY. Identifiers: Orphanet 33, MedGen C0268575, MONDO:0009475, OMIM 243500.

Submission:

Labcorp Genetics (formerly Invitae), Labcorp
Classification: Uncertain significance for Isovaleryl-CoA dehydrogenase deficiency. Last evaluated: 2022-07-18. Review status: criteria provided, single submitter. Criteria: Invitae Variant Classification Sherloc (09022015). Collection method: clinical testing. Allele origin: germline.
Comment: ClinVar contains an entry for this variant (Variation ID: 1440855). In summary, the available evidence is currently insufficient to determine the role of this variant in disease. Therefore, it has been classified as a Variant of Uncertain Significance. Algorithms developed to predict the effect of missense changes on protein structure and function (SIFT, PolyPhen-2, Align-GVGD) all suggest that this variant is likely to be disruptive. This variant has not been reported in the literature in individuals affected with IVD-related conditions. This variant is not present in population databases (gnomAD no frequency). This sequence change replaces leucine, which is neutral and non-polar, with glutamine, which is neutral and polar, at codon 45 of the IVD protein (p.Leu45Gln).

NM_002225.5(IVD):c.125T>A (p.Leu42Gln)

Gene: IVD (isovaleryl-CoA dehydrogenase; plus strand). Cytogenetic location: 15q15.1.
Variant type: single nucleotide variant.
Coding change: c.125T>A on transcript NM_002225.5 (MANE Select); coding-DNA position 125, T replaced by A.
Protein change: p.Leu42Gln; replaces leucine 42 with glutamine.
Molecular consequence: missense variant. On other transcripts: 5 prime UTR variant (1), non-coding transcript variant (1).
Genome position (GRCh38, 1-based): chr15:40,405,952, T>A. VCF-style: chr15-40405952-T-A. GRCh37 (hg19) VCF-style: chr15-40698153-T-A.
Other names: c.125T>A, p.Leu42Gln (NM_001159508.3, NM_001354598.3, NM_001354599.3 and 2 more transcripts); c.-303T>A (NM_001354597.3); short protein forms L42Q.
Identifiers: ClinVar variation 1440855 (VCV001440855.8), dbSNP rs121434284, ClinGen allele CA391743801.